The following is an entry in ClinVar:

ClinVar aggregate classification (germline): Pathogenic (1 of 4 stars; one submission).

Conditions:
Hereditary factor XI deficiency disease. Also called: PLASMA THROMBOPLASTIN ANTECEDENT DEFICIENCY; PTA DEFICIENCY; ROSENTHAL SYNDROME; Congenital factor XI deficiency. Identifiers: Orphanet 329, MedGen C0015523, MeSH D005173, MONDO:0012897, OMIM 612416.

Submission:

Myriad Genetics, Inc.
Classification: Pathogenic for Hereditary factor XI deficiency disease. Last evaluated: 2024-09-17. Review status: criteria provided, single submitter. Criteria: Myriad Autosomal Dominant, Autosomal Recessive and X-Linked Classification Criteria (2023). Collection method: clinical testing. Allele origin: unknown.
Comment: NM_000128.3(F11):c.116_117insA(F39Lfs*30) is expected to be pathogenic in the context of factor XI deficiency. This variant is predicted to lead to an abnormal or absent protein product due to the creation of a premature termination codon in F11, a gene where loss-of-function variants are known to be pathogenic. Please note: this variant was assessed in the context of healthy population screening.

NM_000128.4(F11):c.116_117insA (p.Phe39fs)

Gene: F11 (coagulation factor XI; plus strand). Cytogenetic location: 4q35.2.
Variant type: Insertion.
Coding change: c.116_117insA on transcript NM_000128.4 (MANE Select); coding-DNA positions 116 to 117, A inserted.
Protein change: p.Phe39fs; shifts the reading frame from phenylalanine 39.
Molecular consequence: frameshift variant.
Genome position: GRCh38 VCF-style: chr4-186271669-T-TA. GRCh37 (hg19) VCF-style: chr4-187192823-T-TA.
Other names: c.116_117insA, p.Phe39fs (NM_001354804.2, NM_001440590.1, NM_001440593.1 and 5 more transcripts); short protein forms F39fs.
Identifiers: ClinVar variation 5013555 (VCV005013555.1).